The following is an entry in ClinVar:

NM_001371596.2(MFSD8):c.1176A>C (p.Glu392Asp)

Gene: MFSD8 (major facilitator superfamily domain containing 8; minus strand). Cytogenetic location: 4q28.2.
Variant type: single nucleotide variant.
Coding change: c.1176A>C on transcript NM_001371596.2 (MANE Select); coding-DNA position 1176, A replaced by C.
Protein change: p.Glu392Asp; replaces glutamic acid 392 with aspartic acid.
Molecular consequence: missense variant.
Genome position (GRCh38, 1-based): chr4:127,921,698, T>G on the plus strand (A>C on the coding strand, the complement: MFSD8 is on the minus strand). VCF-style: chr4-127921698-T-G. GRCh37 (hg19) VCF-style: chr4-128842853-T-G.
Other names: c.975A>C, p.Glu325Asp (NM_001363520.3); c.861A>C, p.Glu287Asp (NM_001363521.3); c.1041A>C, p.Glu347Asp (NM_001371590.2); c.1176A>C, p.Glu392Asp (NM_001371591.2, NM_152778.4); c.1182A>C, p.Glu394Asp (NM_001371592.2); c.1062A>C, p.Glu354Asp (NM_001371593.2); c.1029A>C, p.Glu343Asp (NM_001371594.2); c.894A>C, p.Glu298Asp (NM_001371595.1); and 2 more; short protein forms E394D, E298D, E343D, E354D, E287D, E325D, E242D, E347D.
Identifiers: ClinVar variation 1921825 (VCV001921825.5), dbSNP rs1221272586, ClinGen allele CA358171328.

ClinVar aggregate classification (germline): Uncertain significance (1 of 4 stars; one submission).

Conditions:
Neuronal ceroid lipofuscinosis 7 (CLN7). Also called: MFSD8-Related Neuronal Ceroid-Lipofuscinosis. Identifiers: Orphanet 168491, Orphanet 228366, MedGen C1838571, MONDO:0012588, OMIM 610951.

gnomAD v4.1: 1 of 1,614,212 alleles (0.000062%); highest among the groups gnomAD compares: Admixed American, 0.0017%; no homozygotes.

Submission:

Labcorp Genetics (formerly Invitae), Labcorp
Classification: Uncertain significance for Neuronal ceroid lipofuscinosis 7. Last evaluated: 2022-08-13. Review status: criteria provided, single submitter. Criteria: Invitae Variant Classification Sherloc (09022015). Collection method: clinical testing. Allele origin: germline.
Comment: This sequence change replaces glutamic acid, which is acidic and polar, with aspartic acid, which is acidic and polar, at codon 392 of the MFSD8 protein (p.Glu392Asp). This variant is present in population databases (no rsID available, gnomAD 0.003%). This variant has not been reported in the literature in individuals affected with MFSD8-related conditions. Algorithms developed to predict the effect of missense changes on protein structure and function output the following: SIFT: "Tolerated"; PolyPhen-2: "Benign"; Align-GVGD: "Class C0". The aspartic acid amino acid residue is found in multiple mammalian species, which suggests that this missense change does not adversely affect protein function. In summary, the available evidence is currently insufficient to determine the role of this variant in disease. Therefore, it has been classified as a Variant of Uncertain Significance.